The following is an entry in ClinVar:

NM_004924.6(ACTN4):c.2590G>A (p.Ala864Thr)

Gene: ACTN4 (actinin alpha 4; plus strand). Cytogenetic location: 19q13.2.
Variant type: single nucleotide variant.
Coding change: c.2590G>A on transcript NM_004924.6 (MANE Select); coding-DNA position 2590, G replaced by A.
Protein change: p.Ala864Thr; replaces alanine 864 with threonine.
Molecular consequence: missense variant.
Genome position (GRCh38, 1-based): chr19:38,729,286, G>A. VCF-style: chr19-38729286-G-A. GRCh37 (hg19) VCF-style: chr19-39219926-G-A.
Other names: c.2575G>A, p.Ala859Thr (NM_001322033.2); short protein forms A859T, A864T.
Identifiers: ClinVar variation 1060620 (VCV001060620.7), dbSNP rs1378969805, ClinGen allele CA405706515.

ClinVar aggregate classification (germline): Uncertain significance (1 of 4 stars; one submission).

Allele frequency attached by ClinVar (database versions not stated): gnomAD 0.00001; TOPMed 0.00001.
gnomAD v4.1: 1 of 1,612,750 alleles (0.000062%); highest among the groups gnomAD compares: African/African-American, 0.0013%; no homozygotes.

Submission:

Labcorp Genetics (formerly Invitae), Labcorp
Classification: Uncertain significance. Last evaluated: 2020-01-15. Review status: criteria provided, single submitter. Criteria: Invitae Variant Classification Sherloc (09022015). Collection method: clinical testing. Allele origin: germline.
Comment: In summary, the available evidence is currently insufficient to determine the role of this variant in disease. Therefore, it has been classified as a Variant of Uncertain Significance. Algorithms developed to predict the effect of missense changes on protein structure and function are either unavailable or do not agree on the potential impact of this missense change (SIFT: "Deleterious"; PolyPhen-2: "Probably Damaging"; Align-GVGD: "Class C0"). This variant has been observed in individual(s) with clinical features of focal segmental glomerulosclerosis (Invitae). This variant is not present in population databases (ExAC no frequency). This sequence change replaces alanine with threonine at codon 864 of the ACTN4 protein (p.Ala864Thr). The alanine residue is highly conserved and there is a small physicochemical difference between alanine and theonine.